The following is an entry in ClinVar:

NM_000057.4(BLM):c.4220G>C (p.Arg1407Thr)

Gene: BLM (BLM RecQ like helicase; plus strand). Cytogenetic location: 15q26.1.
Variant type: single nucleotide variant.
Coding change: c.4220G>C on transcript NM_000057.4 (MANE Select); coding-DNA position 4220, G replaced by C.
Protein change: p.Arg1407Thr; replaces arginine 1407 with threonine.
Molecular consequence: missense variant.
Genome position (GRCh38, 1-based): chr15:90,815,245, G>C. VCF-style: chr15-90815245-G-C. GRCh37 (hg19) VCF-style: chr15-91358475-G-C.
Other names: c.4220G>C, p.Arg1407Thr (NM_001287246.2); c.3827G>C, p.Arg1276Thr (NM_001287247.2); c.3095G>C, p.Arg1032Thr (NM_001287248.2); short protein forms R1032T, R1407T, R1276T.
Identifiers: ClinVar variation 1511147 (VCV001511147.11), dbSNP rs557057587, ClinGen allele CA393853108.

ClinVar aggregate classification (germline): Uncertain significance. Review status: criteria provided, multiple submitters, no conflicts (2 of 4 stars). 2 submissions from 2 submitters: Uncertain significance (2). Last evaluated 2025-12-01.

Conditions:
Bloom syndrome (BLM). Also called: Bloom-Torre-Machacek syndrome. Identifiers: Orphanet 125, MedGen C0005859, MONDO:0008876, OMIM 210900.
Hereditary cancer-predisposing syndrome. Also called: Hereditary neoplastic syndrome; Neoplastic Syndromes, Hereditary; Tumor predisposition; Hereditary Cancer Syndrome. Identifiers: Orphanet 140162, MedGen C0027672, MeSH D009386, MONDO:0015356.

gnomAD v4.1: 11 of 1,614,058 alleles (0.00068%); highest among the groups gnomAD compares: Non-Finnish European, 0.00093%; no homozygotes.

Submissions (2):

Labcorp Genetics (formerly Invitae), Labcorp
Classification: Uncertain significance for Bloom syndrome. Last evaluated: 2025-12-01. Review status: criteria provided, single submitter. Criteria: Invitae Variant Classification Sherloc (09022015). Collection method: clinical testing. Allele origin: germline.
Comment: This sequence change replaces arginine, which is basic and polar, with threonine, which is neutral and polar, at codon 1407 of the BLM protein (p.Arg1407Thr). This variant is not present in population databases (gnomAD no frequency). This variant has not been reported in the literature in individuals affected with BLM-related conditions. ClinVar contains an entry for this variant (Variation ID: 1511147). An algorithm developed to predict the effect of missense changes on protein structure and function (PolyPhen-2) suggests that this variant is likely to be disruptive. In summary, the available evidence is currently insufficient to determine the role of this variant in disease. Therefore, it has been classified as a Variant of Uncertain Significance.

Ambry Genetics
Classification: Uncertain significance for Hereditary cancer-predisposing syndrome. Last evaluated: 2025-06-22. Review status: criteria provided, single submitter. Criteria: Ambry Variant Classification Scheme 2023. Collection method: clinical testing. Allele origin: germline.
Comment: The p.R1407T variant (also known as c.4220G>C), located in coding exon 21 of the BLM gene, results from a G to C substitution at nucleotide position 4220. The arginine at codon 1407 is replaced by threonine, an amino acid with similar properties. This amino acid position is highly conserved in available vertebrate species. In addition, the in silico prediction for this alteration is inconclusive. Since supporting evidence is limited at this time, the clinical significance of this alteration remains unclear.